The following is an entry in ClinVar:

ClinVar aggregate classification (germline): Uncertain significance. Review status: criteria provided, multiple submitters, no conflicts (2 of 4 stars). 6 submissions from 2 submitters: Uncertain significance (6). Last evaluated 2024-09-20.

Conditions:
Myopathy, myofibrillar, 9, with early respiratory failure (MFM9). Also called: EDSTROM MYOPATHY; MYOPATHY, PROXIMAL, WITH EARLY RESPIRATORY MUSCLE INVOLVEMENT; Myopathy, distal, with early respiratory failure, autosomal dominant; Hereditary myopathy with early respiratory failure. Identifiers: Orphanet 178464, Orphanet 34521, MedGen C1863599, MONDO:0011362, OMIM 603689.
Tibial muscular dystrophy (TMD). Also called: Tibial muscular dystrophy, tardive; UDD MYOPATHY; Udd Distal Myopathy – Tibial Muscular Dystrophy. Identifiers: Orphanet 609, MedGen C1838244, MONDO:0010870, OMIM 600334.
Early-onset myopathy with fatal cardiomyopathy (CMYO5). Also called: CONGENITAL MYOPATHY 5 WITH CARDIOMYOPATHY; Salih Myopathy. Identifiers: Orphanet 289377, MedGen C2673677, MONDO:0012714, OMIM 611705. Disease mechanism: loss of function.
Autosomal recessive limb-girdle muscular dystrophy type 2J (LGMDR10). Also called: Limb-girdle muscular dystrophy, type 2J; MUSCULAR DYSTROPHY, LIMB-GIRDLE, AUTOSOMAL RECESSIVE 10. Identifiers: Orphanet 140922, MedGen C1837342, MONDO:0012127, OMIM 608807.
Dilated cardiomyopathy 1G (CMD1G). Identifiers: Orphanet 154, MedGen C1858763, MONDO:0011400, OMIM 604145.

Submissions (6):

Women's Health and Genetics/Laboratory Corporation of America, LabCorp
Classification: Uncertain significance. Last evaluated: 2024-09-20. Review status: criteria provided, single submitter. Criteria: LabCorp Variant Classification Summary - May 2015. Collection method: clinical testing. Allele origin: germline.
Comment: Variant summary: TTN c.11128G>C (p.Asp3710His) results in a non-conservative amino acid change located in the I-band region of the encoded protein sequence. Four of four in-silico tools predict a damaging effect of the variant on protein function. The variant was absent in 247630 control chromosomes. The available data on variant occurrences in the general population are insufficient to allow any conclusion about variant significance. c.11128G>C has been reported in the literature in at least one individual affected with preeclampsia (e.g., Gammill_2018). These report(s) do not provide unequivocal conclusions about association of the variant with Limb-Girdle Muscular Dystrophy, Type 2J. To our knowledge, no experimental evidence demonstrating an impact on protein function has been reported. The following publication was ascertained in the context of this evaluation (PMID: 30021846). ClinVar contains an entry for this variant (Variation ID: 893494). Based on the evidence outlined above, the variant was classified as uncertain significance.

Illumina Laboratory Services, Illumina
Classification: Uncertain significance for Autosomal recessive limb-girdle muscular dystrophy type 2J. Last evaluated: 2018-01-12. Review status: criteria provided, single submitter. Criteria: ICSL Variant Classification Criteria 13 December 2019. Collection method: clinical testing. Allele origin: germline.

Illumina Laboratory Services, Illumina
Classification: Uncertain significance for Dilated cardiomyopathy 1G. Last evaluated: 2018-01-12. Review status: criteria provided, single submitter. Criteria: ICSL Variant Classification Criteria 13 December 2019. Collection method: clinical testing. Allele origin: germline.

Illumina Laboratory Services, Illumina
Classification: Uncertain significance for Tibial muscular dystrophy. Last evaluated: 2018-01-12. Review status: criteria provided, single submitter. Criteria: ICSL Variant Classification Criteria 13 December 2019. Collection method: clinical testing. Allele origin: germline.

Illumina Laboratory Services, Illumina
Classification: Uncertain significance for Myopathy, myofibrillar, 9, with early respiratory failure. Last evaluated: 2018-01-12. Review status: criteria provided, single submitter. Criteria: ICSL Variant Classification Criteria 13 December 2019. Collection method: clinical testing. Allele origin: germline.

Illumina Laboratory Services, Illumina
Classification: Uncertain significance for Early-onset myopathy with fatal cardiomyopathy. Last evaluated: 2018-01-12. Review status: criteria provided, single submitter. Criteria: ICSL Variant Classification Criteria 13 December 2019. Collection method: clinical testing. Allele origin: germline.

Literature cited by the submitters: PubMed 30021846 (cited by Women's Health and Genetics/Laboratory Corporation of America, LabCorp).

NM_001267550.2(TTN):c.14860G>C (p.Asp4954His)

Gene: TTN (titin; minus strand). Cytogenetic location: 2q31.2.
Variant type: single nucleotide variant.
Coding change: c.14860G>C on transcript NM_001267550.2 (MANE Select); coding-DNA position 14860, G replaced by C.
Protein change: p.Asp4954His; replaces aspartic acid 4954 with histidine.
Molecular consequence: missense variant. On other transcripts: intron variant (3).
Genome position (GRCh38, 1-based): chr2:178,735,586, C>G on the plus strand (G>C on the coding strand, the complement: TTN is on the minus strand). VCF-style: chr2-178735586-C-G. GRCh37 (hg19) VCF-style: chr2-179600313-C-G.
Other names: c.13909G>C, p.Asp4637His (NM_001256850.1); c.11128G>C, p.Asp3710His (NM_133378.4); c.13282+2496G>C (NM_003319.4); c.13858+2496G>C (NM_133437.4); c.13657+2496G>C (NM_133432.3); short protein forms D4954H, D4637H, D3710H.
Identifiers: ClinVar variation 893494 (VCV000893494.5), dbSNP rs1443901302, ClinGen allele CA349596475.